The following is an entry in ClinVar:

ClinVar aggregate classification (germline): Likely benign (1 of 4 stars; one submission).

Allele frequency attached by ClinVar (database versions not stated): ExAC 0.00021; 1000 Genomes Project 30x 0.00047; 1000 Genomes Project 0.00060; ESP Exome Variant Server 0.00077; gnomAD 0.00080.
gnomAD v4.1: 261 of 1,610,978 alleles (0.016%); highest among the groups gnomAD compares: African/African-American, 0.3%; no homozygotes.

Submission:

CeGaT Center for Human Genetics Tuebingen
Classification: Likely benign. Last evaluated: 2022-09-01. Review status: criteria provided, single submitter. Criteria: CeGaT Center For Human Genetics Tuebingen Variant Classification Criteria Version 2. Collection method: clinical testing. Allele origin: germline. Affected: yes. Observed: 1 variant allele.
Comment: PCDHB8: BP4, BP7

NM_019120.5(PCDHB8):c.2091G>A (p.Ser697=)

Genes: PCDHB8 (protocadherin beta 8; plus strand), PCDHB@ (protocadherin beta cluster; plus strand). Cytogenetic location: 5q31.3.
Variant type: single nucleotide variant.
Coding change: c.2091G>A on transcript NM_019120.5 (MANE Select); coding-DNA position 2091, G replaced by A.
Protein change: p.Ser697=; no amino-acid change (serine 697 retained).
Molecular consequence: synonymous variant.
Genome position (GRCh38, 1-based): chr5:141,180,125, G>A. VCF-style: chr5-141180125-G-A. GRCh37 (hg19) VCF-style: chr5-140559706-G-A.
Identifiers: ClinVar variation 2655819 (VCV002655819.24), dbSNP rs147123510, ClinGen allele CA3459929.